The following is an entry in ClinVar:

ClinVar aggregate classification (germline): Uncertain significance (1 of 4 stars; one submission).

Conditions:
Neuroblastoma, susceptibility to, 3. Also called: ALK-Related Neuroblastic Tumor Susceptibility. Identifiers: Orphanet 635, MedGen C2751681, MONDO:0013083, OMIM 613014.

Submission:

Labcorp Genetics (formerly Invitae), Labcorp
Classification: Uncertain significance for Neuroblastoma, susceptibility to, 3. Last evaluated: 2023-09-15. Review status: criteria provided, single submitter. Criteria: Invitae Variant Classification Sherloc (09022015). Collection method: clinical testing. Allele origin: germline.
Comment: In summary, the available evidence is currently insufficient to determine the role of this variant in disease. Therefore, it has been classified as a Variant of Uncertain Significance. An algorithm developed to predict the effect of missense changes on protein structure and function (PolyPhen-2) suggests that this variant is likely to be disruptive. This variant has not been reported in the literature in individuals affected with ALK-related conditions. This variant is not present in population databases (gnomAD no frequency). This sequence change replaces tryptophan, which is neutral and slightly polar, with arginine, which is basic and polar, at codon 247 of the ALK protein (p.Trp247Arg).

NM_004304.5(ALK):c.739T>C (p.Trp247Arg)

Gene: ALK (ALK receptor tyrosine kinase; minus strand). Cytogenetic location: 2p23.2.
Variant type: single nucleotide variant.
Coding change: c.739T>C on transcript NM_004304.5 (MANE Select); coding-DNA position 739, T replaced by C.
Protein change: p.Trp247Arg; replaces tryptophan 247 with arginine.
Molecular consequence: missense variant.
Genome position (GRCh38, 1-based): chr2:29,717,626, A>G on the plus strand (T>C on the coding strand, the complement: ALK is on the minus strand). VCF-style: chr2-29717626-A-G. GRCh37 (hg19) VCF-style: chr2-29940492-A-G.
Other names: short protein forms W247R.
Identifiers: ClinVar variation 2760825 (VCV002760825.3), dbSNP rs2465432615, ClinGen allele CA346587711.
Genomic context (GRCh38, chr2:29,717,626, plus strand): 5'-ACATATACTTACCATATCGGCTGCGATGAGACAGGAAAGGGAAGGAGTCTTTCATTATCC[A>G]GGTGAGATTCCATGTAAAATAATCAGGAGAAGGAGAAGGCATGTTTGTTGGTGATTCCAA-3'
Protein context (NP_004295.2, residues 237-257): SPDYFTWNLT[Trp247Arg]IMKDSFPFLS